The following is an entry in ClinVar:

NM_002691.4(POLD1):c.988G>T (p.Glu330Ter)

Gene: POLD1 (DNA polymerase delta 1, catalytic subunit; plus strand). Cytogenetic location: 19q13.33.
Variant type: single nucleotide variant.
Coding change: c.988G>T on transcript NM_002691.4 (MANE Select); coding-DNA position 988, G replaced by T.
Protein change: p.Glu330Ter; replaces glutamic acid 330 with a stop codon.
Molecular consequence: nonsense. On other transcripts: non-coding transcript variant (1).
Genome position (GRCh38, 1-based): chr19:50,403,070, G>T. VCF-style: chr19-50403070-G-T. GRCh37 (hg19) VCF-style: chr19-50906327-G-T.
Other names: c.988G>T, p.Glu330Ter (NM_001256849.1, NM_001308632.1); c.988G>T (NM_002691.2); short protein forms E330*.
Identifiers: ClinVar variation 407986 (VCV000407986.10), dbSNP rs1060501813, ClinGen allele CA16616125.

ClinVar aggregate classification (germline): Uncertain significance. Review status: criteria provided, multiple submitters, no conflicts (2 of 4 stars). 2 submissions from 2 submitters: Uncertain significance (2). Last evaluated 2025-12-19.

Conditions:
Hereditary cancer-predisposing syndrome. Also called: Neoplastic Syndromes, Hereditary; Hereditary neoplastic syndrome; Hereditary Cancer Syndrome; Tumor predisposition. Identifiers: Orphanet 140162, MedGen C0027672, MeSH D009386, MONDO:0015356.
POLD1-related polyposis and colorectal cancer syndrome (CRCS10). Also called: Colorectal cancer, susceptibility to, 10; Colorectal cancer 10; COLORECTAL CANCER, SUSCEPTIBILITY TO, ON CHROMOSOME 19q. Identifiers: Orphanet 220460, MedGen C2675481, MONDO:0012953, OMIM 612591.

Submissions (2):

Ambry Genetics
Classification: Uncertain significance for Hereditary cancer-predisposing syndrome. Last evaluated: 2025-12-19. Review status: criteria provided, single submitter. Criteria: Ambry Variant Classification Scheme 2023. Collection method: clinical testing. Allele origin: germline.
Comment: The p.E330* variant (also known as c.988G>T), located in coding exon 8 of the POLD1 gene, results from a G to T substitution at nucleotide position 988. This changes the amino acid from a glutamic acid to a stop codon within coding exon 8. This alteration is expected to result in loss of function by premature protein truncation or nonsense-mediated mRNA decay. However, loss of function has not been established as a mechanism of disease. Based on the available evidence, the clinical significance of this variant remains unclear.

Labcorp Genetics (formerly Invitae), Labcorp
Classification: Uncertain significance for POLD1-related polyposis and colorectal cancer syndrome. Last evaluated: 2025-04-14. Review status: criteria provided, single submitter. Criteria: Invitae Variant Classification Sherloc (09022015). Collection method: clinical testing. Allele origin: germline.
Comment: This sequence change creates a premature translational stop signal (p.Glu330*) in the POLD1 gene. Missense variants that disrupt the 3'-5' exonuclease (proof-reading) activity of the POLD1 protein are associated with PPAP (polymerase proofreading–associated polyposis) (PMID: 23263490, 23447401). However, loss-of-function variants that result in an absent or severely disrupted POLD1 protein, and missense variants outside the exonuclease domain, are unlikely to be associated with PPAP. This variant is not present in population databases (gnomAD no frequency). This variant has not been reported in the literature in individuals affected with POLD1-related conditions. ClinVar contains an entry for this variant (Variation ID: 407986). Algorithms developed to predict the effect of sequence changes on RNA splicing suggest that this variant may disrupt the consensus splice site. In summary, the available evidence is currently insufficient to determine the role of this variant in disease. Therefore, it has been classified as a Variant of Uncertain Significance.

Literature cited by the submitters: PubMed 23263490 (cited by Labcorp Genetics (formerly Invitae), Labcorp); PubMed 23447401 (cited by Labcorp Genetics (formerly Invitae), Labcorp).